The following is an entry in ClinVar:

NM_182493.3(MYLK3):c.2140G>A (p.Gly714Arg)

Gene: MYLK3 (myosin light chain kinase 3; minus strand). Cytogenetic location: 16q11.2.
Variant type: single nucleotide variant.
Coding change: c.2140G>A on transcript NM_182493.3 (MANE Select); coding-DNA position 2140, G replaced by A.
Protein change: p.Gly714Arg; replaces glycine 714 with arginine.
Molecular consequence: missense variant.
Genome position (GRCh38, 1-based): chr16:46,710,764, C>T on the plus strand (G>A on the coding strand, the complement: MYLK3 is on the minus strand). VCF-style: chr16-46710764-C-T. GRCh37 (hg19) VCF-style: chr16-46744676-C-T.
Other names: c.1117G>A, p.Gly373Arg (NM_001308301.1); short protein forms G373R, G714R.
Identifiers: ClinVar variation 2834756 (VCV002834756.3), dbSNP rs752905853, ClinGen allele CA395786869.

ClinVar aggregate classification (germline): Uncertain significance (1 of 4 stars; one submission).

Submission:

Labcorp Genetics (formerly Invitae), Labcorp
Classification: Uncertain significance. Last evaluated: 2023-02-05. Review status: criteria provided, single submitter. Criteria: Invitae Variant Classification Sherloc (09022015). Collection method: clinical testing. Allele origin: germline.
Comment: In summary, the available evidence is currently insufficient to determine the role of this variant in disease. Therefore, it has been classified as a Variant of Uncertain Significance. Algorithms developed to predict the effect of sequence changes on RNA splicing suggest that this variant may disrupt the consensus splice site. This sequence change replaces glycine, which is neutral and non-polar, with arginine, which is basic and polar, at codon 714 of the MYLK3 protein (p.Gly714Arg). This variant is not present in population databases (gnomAD no frequency). This variant has not been reported in the literature in individuals affected with MYLK3-related conditions. Algorithms developed to predict the effect of missense changes on protein structure and function (SIFT, PolyPhen-2, Align-GVGD) all suggest that this variant is likely to be disruptive.